The following is an entry in ClinVar:

NM_194248.3(OTOF):c.2075G>A (p.Arg692Gln)

Gene: OTOF (otoferlin; minus strand). Cytogenetic location: 2p23.3.
Variant type: single nucleotide variant.
Coding change: c.2075G>A on transcript NM_194248.3 (MANE Select); coding-DNA position 2075, G replaced by A.
Protein change: p.Arg692Gln; replaces arginine 692 with glutamine.
Molecular consequence: missense variant.
Genome position (GRCh38, 1-based): chr2:26,479,491, C>T on the plus strand (G>A on the coding strand, the complement: OTOF is on the minus strand). VCF-style: chr2-26479491-C-T. GRCh37 (hg19) VCF-style: chr2-26702359-C-T.
Other names: c.2075G>A, p.Arg692Gln (NM_001287489.2); short protein forms R692Q.
Identifiers: ClinVar variation 48185 (VCV000048185.12), dbSNP rs147978393, ClinGen allele CA142782.

ClinVar aggregate classification (germline): Conflicting classifications of pathogenicity. Review status: criteria provided, conflicting classifications (1 of 4 stars). 4 submissions from 4 submitters: Uncertain significance (3); Likely benign (1). Last evaluated 2024-01-31.

Conditions:
Inborn genetic diseases. Identifiers: MedGen C0950123, MeSH D030342.

Allele frequency attached by ClinVar (database versions not stated): TOPMed 0.00003; gnomAD exomes 0.00005; ExAC 0.00006; ESP Exome Variant Server 0.00015.
gnomAD v4.1: 53 of 1,601,516 alleles (0.0033%); highest among the groups gnomAD compares: South Asian, 0.013%; no homozygotes.

Submissions (4):

Labcorp Genetics (formerly Invitae), Labcorp
Classification: Likely benign. Last evaluated: 2024-01-31. Review status: criteria provided, single submitter. Criteria: Invitae Variant Classification Sherloc (09022015). Collection method: clinical testing. Allele origin: germline.

Ambry Genetics
Classification: Uncertain significance for Inborn genetic diseases. Last evaluated: 2022-06-24. Review status: criteria provided, single submitter. Criteria: Ambry Variant Classification Scheme 2023. Collection method: clinical testing. Allele origin: germline.

GeneDx
Classification: Uncertain significance. Last evaluated: 2022-02-07. Review status: criteria provided, single submitter. Criteria: GeneDx Variant Classification Process June 2021. Collection method: clinical testing. Allele origin: germline. Affected: yes.
Comment: In silico analysis supports that this missense variant does not alter protein structure/function; Has not been previously published as pathogenic or benign to our knowledge

Laboratory for Molecular Medicine, Mass General Brigham Personalized Medicine
Classification: Uncertain significance. Last evaluated: 2013-01-29. Review status: criteria provided, single submitter. Criteria: LMM Criteria. Collection method: clinical testing. Allele origin: germline. Observed: 2 variant alleles.
Comment: The Arg692Gln variant in OTOF has not been reported in the literature nor previo usly identified by our laboratory. Computational analyses (biochemical amino aci d properties, conservation, AlignGVGD, PolyPhen2, and SIFT) suggest that the Arg 692Gln variant is unlikely to impact the protein, though this information is not predictive enough to rule out pathogenicity. This variant has been identified i n 0.04% (2/4364) of African American chromosomes in a broad population by the NH LBI Exome sequencing project (dbSNP rs1479783 93). Although this variant has been seen in the general population, its frequenc y is not high enough to rule out a pathogenic role. Additional data is needed to determine the clinical significance of this variant.